The following is an entry in ClinVar:

ClinVar aggregate classification (germline): Uncertain significance (1 of 4 stars; one submission).

Conditions:
MPI-congenital disorder of glycosylation. Also called: MPI DEFICIENCY; CONGENITAL DISORDER OF GLYCOSYLATION, TYPE Ib; CDG Ib; MPI-CDG; PROTEIN-LOSING ENTEROPATHY-HEPATIC FIBROSIS SYNDROME; MANNOSEPHOSPHATE ISOMERASE DEFICIENCY. Identifiers: Orphanet 79319, MedGen C1865145, MONDO:0011257, OMIM 602579.

Submission:

Labcorp Genetics (formerly Invitae), Labcorp
Classification: Uncertain significance for MPI-congenital disorder of glycosylation. Last evaluated: 2022-04-06. Review status: criteria provided, single submitter. Criteria: Invitae Variant Classification Sherloc (09022015). Collection method: clinical testing. Allele origin: germline.
Comment: This sequence change replaces leucine, which is neutral and non-polar, with isoleucine, which is neutral and non-polar, at codon 62 of the MPI protein (p.Leu62Ile). Information on the frequency of this variant in the gnomAD database is not available, as this variant may be reported differently in the database. This variant has not been reported in the literature in individuals affected with MPI-related conditions. Algorithms developed to predict the effect of missense changes on protein structure and function output the following: SIFT: "Not Available"; PolyPhen-2: "Not Available"; Align-GVGD: "Not Available". The isoleucine amino acid residue is found in multiple mammalian species, which suggests that this missense change does not adversely affect protein function. In summary, the available evidence is currently insufficient to determine the role of this variant in disease. Therefore, it has been classified as a Variant of Uncertain Significance.

NM_002435.3(MPI):c.183_184delinsAA (p.Leu62Ile)

Gene: MPI (mannose phosphate isomerase; plus strand). Cytogenetic location: 15q24.1.
Variant type: Indel.
Coding change: c.183_184delinsAA on transcript NM_002435.3 (MANE Select); coding-DNA positions 183 to 184, CC replaced by AA.
Protein change: p.Leu62Ile; replaces leucine 62 with isoleucine.
Molecular consequence: missense variant.
Genome position (GRCh38, 1-based): chr15:74,891,417-74,891,418, CC replaced by AA. VCF-style: chr15-74891417-CC-AA. GRCh37 (hg19) VCF-style: chr15-75183758-CC-AA.
Other names: c.183_184delinsAA, p.Leu62Ile (NM_001289155.2, NM_001289157.2); c.33_34delinsAA, p.Leu12Ile (NM_001289156.2); c.123_124delinsAA, p.Leu42Ile (NM_001330372.2); short protein forms L12I, L42I, L62I.
Identifiers: ClinVar variation 2155531 (VCV002155531.1), dbSNP rs2505813576, ClinGen allele CA2580089984.